The following is an entry in ClinVar:

NM_000051.4(ATM):c.1057T>A (p.Cys353Ser)

Gene: ATM (ATM serine/threonine kinase; plus strand). Cytogenetic location: 11q22.3.
Variant type: single nucleotide variant.
Coding change: c.1057T>A on transcript NM_000051.4 (MANE Select); coding-DNA position 1057, T replaced by A.
Protein change: p.Cys353Ser; replaces cysteine 353 with serine.
Molecular consequence: missense variant.
Genome position (GRCh38, 1-based): chr11:108,247,119, T>A. VCF-style: chr11-108247119-T-A. GRCh37 (hg19) VCF-style: chr11-108117846-T-A.
Other names: c.1057T>A, p.Cys353Ser (NM_001351834.2); short protein forms C353S.
Identifiers: ClinVar variation 4866017 (VCV004866017.1).

ClinVar aggregate classification (germline): Uncertain significance (1 of 4 stars; one submission).

Conditions:
Hereditary cancer-predisposing syndrome. Also called: Neoplastic Syndromes, Hereditary; Tumor predisposition; Hereditary Cancer Syndrome; Hereditary neoplastic syndrome. Identifiers: Orphanet 140162, MedGen C0027672, MeSH D009386, MONDO:0015356.

Submission:

Ambry Genetics
Classification: Uncertain significance for Hereditary cancer-predisposing syndrome. Last evaluated: 2026-03-25. Review status: criteria provided, single submitter. Criteria: Ambry Variant Classification Scheme 2023. Collection method: clinical testing. Allele origin: germline.
Comment: The p.C353S variant (also known as c.1057T>A), located in coding exon 7 of the ATM gene, results from a T to A substitution at nucleotide position 1057. The cysteine at codon 353 is replaced by serine, an amino acid with dissimilar properties. In an assay testing ATM function, this variant showed a functionally normal result (Lee KS et al. Cell, 2025 Sep;188:5081-5099.e27). This amino acid position is highly conserved in available vertebrate species. In addition, the in silico prediction for this alteration is inconclusive. Based on the available evidence, the clinical significance of this variant remains unclear.

Literature cited by the submitters: PubMed 40580951.